The following is an entry in ClinVar:

NM_002076.4(GNS):c.34C>T (p.Arg12Trp)

Gene: GNS (glucosamine (N-acetyl)-6-sulfatase; minus strand). Cytogenetic location: 12q14.3.
Variant type: single nucleotide variant.
Coding change: c.34C>T on transcript NM_002076.4 (MANE Select); coding-DNA position 34, C replaced by T.
Protein change: p.Arg12Trp; replaces arginine 12 with tryptophan.
Molecular consequence: missense variant.
Genome position (GRCh38, 1-based): chr12:64,759,243, G>A on the plus strand (C>T on the coding strand, the complement: GNS is on the minus strand). VCF-style: chr12-64759243-G-A. GRCh37 (hg19) VCF-style: chr12-65153023-G-A.
Other names: short protein forms R12W.
Identifiers: ClinVar variation 2147272 (VCV002147272.1), dbSNP rs1235103274, ClinGen allele CA385613494.
Genomic context (GRCh38, chr12:64,759,243, plus strand): 5'-CCAGCACCAGCAGTAGCAGCGCTGGGCTGCAGGAGGGCAGGTGGCGGGGGCTGCCCCGCC[G>A]GAGCCGACCTGGGGCTAGAGGCAGGAGCCGCATAGCGGACAGGCTCCGGGGTGACCCCGG-3'
Protein context (NP_002067.1, residues 2-22): RLLPLAPGRL[Arg12Trp]RGSPRHLPSC

ClinVar aggregate classification (germline): Uncertain significance (1 of 4 stars; one submission).

Conditions:
Mucopolysaccharidosis, MPS-III-D (MPS3D). Also called: N-ACETYLGLUCOSAMINE-6-SULFATASE DEFICIENCY; SANFILIPPO SYNDROME D; MPS III D; Mucopoly-saccharidosis type 3D; N-acetylglucosamine-6-sulfate sulfatase deficiency; MPS 3D. Identifiers: Orphanet 581, Orphanet 79272, MedGen C0086650, MONDO:0009658, OMIM 252940.

Allele frequency attached by ClinVar (database versions not stated): gnomAD exomes below 0.00001.

Submission:

Labcorp Genetics (formerly Invitae), Labcorp
Classification: Uncertain significance for Mucopolysaccharidosis, MPS-III-D. Last evaluated: 2022-07-26. Review status: criteria provided, single submitter. Criteria: Invitae Variant Classification Sherloc (09022015). Collection method: clinical testing. Allele origin: germline.
Comment: This sequence change replaces arginine, which is basic and polar, with tryptophan, which is neutral and slightly polar, at codon 12 of the GNS protein (p.Arg12Trp). This variant is present in population databases (no rsID available, gnomAD 0.004%). This variant has not been reported in the literature in individuals affected with GNS-related conditions. Algorithms developed to predict the effect of missense changes on protein structure and function output the following: SIFT: "Deleterious"; PolyPhen-2: "Not Available"; Align-GVGD: "Class C0". The tryptophan amino acid residue is found in multiple mammalian species, which suggests that this missense change does not adversely affect protein function. In summary, the available evidence is currently insufficient to determine the role of this variant in disease. Therefore, it has been classified as a Variant of Uncertain Significance.